The following is an entry in ClinVar:

ClinVar aggregate classification (germline): Uncertain significance (1 of 4 stars; one submission).

Submission:

GeneDx
Classification: Uncertain significance. Last evaluated: 2023-08-03. Review status: criteria provided, single submitter. Criteria: GeneDx Variant Classification Process June 2021. Collection method: clinical testing. Allele origin: germline. Affected: yes.
Comment: Not observed at significant frequency in large population cohorts (gnomAD); In silico analysis supports that this missense variant has a deleterious effect on protein structure/function; Has not been previously published as pathogenic or benign to our knowledge

NM_001429.4(EP300):c.6233C>T (p.Pro2078Leu)

Gene: EP300 (E1A binding protein p300; plus strand). Cytogenetic location: 22q13.2.
Variant type: single nucleotide variant.
Coding change: c.6233C>T on transcript NM_001429.4 (MANE Select); coding-DNA position 6233, C replaced by T.
Protein change: p.Pro2078Leu; replaces proline 2078 with leucine.
Molecular consequence: missense variant.
Genome position (GRCh38, 1-based): chr22:41,177,944, C>T. VCF-style: chr22-41177944-C-T. GRCh37 (hg19) VCF-style: chr22-41573948-C-T.
Other names: c.6155C>T, p.Pro2052Leu (NM_001362843.2); short protein forms P2052L, P2078L.
Identifiers: ClinVar variation 3361855 (VCV003361855.1).